The following is an entry in ClinVar:

ClinVar aggregate classification (germline): Conflicting classifications of pathogenicity. Review status: criteria provided, conflicting classifications (1 of 4 stars). 9 submissions from 9 submitters: Uncertain significance (7); Likely benign (2). Last evaluated 2026-04-22.

Conditions:
TNXB-related disorder. Also called: TNXB-related condition.
Vesicoureteral reflux 8 (VUR8). Identifiers: Orphanet 289365, MedGen C4014831, MONDO:0014422, OMIM 615963.
Ehlers-Danlos syndrome due to tenascin-X deficiency (EDSCLL1). Also called: EHLERS-DANLOS SYNDROME, CLASSIC-LIKE; Ehlers-Danlos syndrome, classic-like, 1; TNXB-Related Classical-Like Ehlers-Danlos Syndrome; EDS DUE TO TNX DEFICIENCY; TNX DEFICIENCY. Identifiers: Orphanet 230839, MedGen C1848029, MONDO:0011670, OMIM 606408.
Ehlers-Danlos syndrome (EDS). Identifiers: Orphanet 98249, MedGen C0013720, MONDO:0020066.
Cardiovascular phenotype. Identifiers: MedGen CN230736.

Allele frequency attached by ClinVar (database versions not stated): ESP Exome Variant Server 0.00012; 1000 Genomes Project 30x 0.00016; 1000 Genomes Project 0.00020; ExAC 0.00045; gnomAD exomes 0.00048 and 0.00053; gnomAD 0.00050 and 0.00051; TOPMed 0.00051.
gnomAD v4.1: 843 of 1,601,540 alleles (0.053%); highest among the groups gnomAD compares: Non-Finnish European, 0.065%; no homozygotes.

Submissions (9):

PreventionGenetics, part of Exact Sciences
Classification: Uncertain significance for TNXB-related condition. Last evaluated: 2026-04-22. Review status: criteria provided, single submitter. Criteria: ACMG Guidelines, 2015. Collection method: clinical testing. Allele origin: germline.
Comment: The TNXB c.3226G>A variant is predicted to result in the amino acid substitution p.Asp1076Asn. To our knowledge, this variant has not been reported in the literature. This variant is reported in 0.078% of alleles in individuals of Latino descent in gnomAD, which is likely too common for an undocumented disease-causing variant. Although we suspect that this variant may be benign, at this time, the clinical significance of this variant is uncertain due to the absence of conclusive functional and genetic evidence.

Women's Health and Genetics/Laboratory Corporation of America, LabCorp
Classification: Uncertain significance. Last evaluated: 2026-02-09. Review status: criteria provided, single submitter. Criteria: LabCorp Variant Classification Summary - May 2015. Collection method: clinical testing. Allele origin: germline.
Comment: Variant summary: TNXB c.3226G>A (p.Asp1076Asn) results in a conservative amino acid change located in the Fibronectin type-III domain of the encoded protein sequence. Algorithms developed to predict the effect of missense changes on protein structure and function all suggest that this variant is likely to be tolerated. The variant allele was found at a frequency of 0.00048 in 240606 control chromosomes. This frequency is not significantly higher than estimated for disease-causing variants in TNXB, allowing no conclusion about variant significance. To our knowledge, c.3226G>A has not been observed in individual(s) affected with TNXB-related conditions and no experimental evidence demonstrating an impact on protein function has been reported. The following publication has been ascertained in the context of this evaluation (PMID: 34557669) ClinVar contains an entry for this variant (Variation ID: 1215208). Based on the evidence outlined above, the variant was classified as uncertain significance.

Mayo Clinic Laboratories, Mayo Clinic
Classification: Uncertain significance. Last evaluated: 2025-12-17. Review status: criteria provided, single submitter. Criteria: ACMG Guidelines, 2015. Collection method: clinical testing. Allele origin: germline. Observed: 3 variant alleles.
Comment: BP4_moderate

GeneDx
Classification: Uncertain significance. Last evaluated: 2025-11-02. Review status: criteria provided, single submitter. Criteria: GeneDx Variant Classification Process June 2021. Collection method: clinical testing. Allele origin: germline. Affected: yes.
Comment: Has not been previously published as pathogenic or benign to our knowledge; In silico analysis suggests that this missense variant does not alter protein structure/function; Observed in at least one homozygous clinically unaffected adult relative of an individual referred for genetic testing at GeneDx; This variant is associated with the following publications: (PMID: 34557669)

Blueprint Genetics
Classification: Likely benign. Last evaluated: 2024-09-11. Review status: criteria provided, single submitter. Criteria: ACMG Guidelines, 2015. Collection method: clinical testing. Allele origin: germline.

Revvity Omics, Revvity
Classification: Uncertain significance for Vesicoureteral reflux 8. Last evaluated: 2024-04-16. Review status: criteria provided, single submitter. Criteria: ACMG Guidelines, 2015. Collection method: clinical testing. Allele origin: germline.

Fulgent Genetics
Classification: Uncertain significance for Ehlers-Danlos syndrome due to tenascin-X deficiency; Vesicoureteral reflux 8. Last evaluated: 2022-03-08. Review status: criteria provided, single submitter. Criteria: ACMG Guidelines, 2015. Collection method: clinical testing. Allele origin: unknown.

Genome Diagnostics Laboratory, The Hospital for Sick Children
Classification: Uncertain significance for Ehlers-Danlos syndrome. Last evaluated: 2020-05-01. Review status: criteria provided, single submitter. Criteria: ACMG Guidelines, 2015. Collection method: clinical testing. Allele origin: germline.

Ambry Genetics
Classification: Likely benign for Cardiovascular phenotype. Last evaluated: 2019-06-11. Review status: criteria provided, single submitter. Criteria: Ambry Variant Classification Scheme 2023. Collection method: clinical testing. Allele origin: germline.

Literature cited by the submitters: PubMed 34557669 (cited by Women's Health and Genetics/Laboratory Corporation of America, LabCorp).

NM_001365276.2(TNXB):c.3226G>A (p.Asp1076Asn)

Gene: TNXB (tenascin XB; minus strand). Cytogenetic location: 6p21.33.
Variant type: single nucleotide variant.
Coding change: c.3226G>A on transcript NM_001365276.2 (MANE Select); coding-DNA position 3226, G replaced by A.
Protein change: p.Asp1076Asn; replaces aspartic acid 1076 with asparagine.
Molecular consequence: missense variant.
Genome position (GRCh38, 1-based): chr6:32,084,632, C>T on the plus strand (G>A on the coding strand, the complement: TNXB is on the minus strand). VCF-style: chr6-32084632-C-T. GRCh37 (hg19) VCF-style: chr6-32052409-C-T.
Other names: p.Asp1076Asn; c.3226G>A, p.Asp1076Asn (NM_019105.8); short protein forms D1076N.
Identifiers: ClinVar variation 1215208 (VCV001215208.24), dbSNP rs202227084, ClinGen allele CA3735220.
Genomic context (GRCh38, chr6:32,084,632, plus strand): 5'-ACTGGATCACGAAGGAGTCAAACTCGCCCTCGGGGACCGTCCAGCGCAGGAGCAAGGAGT[C>T]GGAGGTCCTGTCTGTCACCGTCAGCTCACCCAGGCGTGGTGGGCCTGAGGACTTCCCAGG-3'
Protein context (NP_001352205.1, residues 1066-1086): GELTVTDRTS[Asp1076Asn]SLLLRWTVPE